The following is an entry in ClinVar:

NM_001655.5(ARCN1):c.1432dup (p.Tyr478fs)

Gene: ARCN1 (archain 1; plus strand). Cytogenetic location: 11q23.3.
Variant type: Duplication.
Coding change: c.1432dup on transcript NM_001655.5 (MANE Select); coding-DNA position 1432, one base duplicated (T; older notation c.1432dupT).
Protein change: p.Tyr478fs; shifts the reading frame from tyrosine 478.
Molecular consequence: frameshift variant.
Genome position (GRCh38, 1-based): chr11:118,597,897, T duplicated; the last of 2 consecutive T bases (chr11:118,597,896-118,597,897); duplicating either gives the same sequence. VCF-style (leftmost placement, unchanged base first): chr11-118597895-A-AT. GRCh37 (hg19) VCF-style: chr11-118468610-A-AT.
Other names: c.1168dup, p.Tyr390fs (NM_001142281.2); short protein forms Y390fs, Y478fs.
Identifiers: ClinVar variation 1310802 (VCV001310802.2), dbSNP rs2135556820, ClinGen allele CA2573053443.
Genomic context (GRCh38, chr11:118,597,895, plus strand): 5'-GCATTGCTGGGCAGCCCAATGACTTCTTCCCTGTTCAAGTTTCCTTTGTCTCCAAGAAAA[A>AT]TTACTGTAACATACAGGTACTCCATTTTAGTTGAGAACATATATAGGGAAAGTGGTAGGA-3'

ClinVar aggregate classification (germline): Uncertain significance (1 of 4 stars; one submission).

Submission:

GeneDx
Classification: Uncertain significance. Last evaluated: 2020-01-11. Review status: criteria provided, single submitter. Criteria: GeneDx Variant Classification Process June 2021. Collection method: clinical testing. Allele origin: germline. Affected: yes.
Comment: Not observed in large population cohorts (Lek et al., 2016); Frameshift variant predicted to result in protein truncation as the last 34 amino acids are lost and replaced with 2 incorrect amino acids, although loss-of-function variants have not been reported downstream of this position in the protein; Has not been previously published as pathogenic or benign to our knowledge